The following is an entry in ClinVar:

NM_001174147.2(LMX1B):c.182G>C (p.Arg61Pro)

Gene: LMX1B (LIM homeobox transcription factor 1 beta; plus strand). Cytogenetic location: 9q33.3.
Variant type: single nucleotide variant.
Coding change: c.182G>C on transcript NM_001174147.2 (MANE Select); coding-DNA position 182, G replaced by C.
Protein change: p.Arg61Pro; replaces arginine 61 with proline.
Molecular consequence: missense variant.
Genome position (GRCh38, 1-based): chr9:126,615,425, G>C. VCF-style: chr9-126615425-G-C. GRCh37 (hg19) VCF-style: chr9-129377704-G-C.
Other names: c.182G>C, p.Arg61Pro (NM_001174146.2, NM_002316.4); short protein forms R61P.
Identifiers: ClinVar variation 1348648 (VCV001348648.8), dbSNP rs2118823251, ClinGen allele CA374909934.
Genomic context (GRCh38, chr9:126,615,425, plus strand): 5'-TCGCCCTGTGCGCTACAGGCTCCGACTGCCCGCATCCCGCCGTCTGCGAGGGCTGCCAGC[G>C]GCCCATCTCCGACCGCTTCCTGATGCGAGTCAACGAGTCGTCCTGGCACGAGGAGTGTTT-3'
Protein context (NP_001167618.1, residues 51-71): PHPAVCEGCQ[Arg61Pro]PISDRFLMRV

ClinVar aggregate classification (germline): Uncertain significance (1 of 4 stars; one submission).

Submission:

Labcorp Genetics (formerly Invitae), Labcorp
Classification: Uncertain significance. Last evaluated: 2021-06-02. Review status: criteria provided, single submitter. Criteria: Invitae Variant Classification Sherloc (09022015). Collection method: clinical testing. Allele origin: germline.
Comment: This sequence change replaces arginine with proline at codon 61 of the LMX1B protein (p.Arg61Pro). The arginine residue is moderately conserved and there is a moderate physicochemical difference between arginine and proline. This variant is not present in population databases (ExAC no frequency). This variant has been observed in individual(s) with nail-patella syndrome (Invitae). It has also been observed to segregate with disease in related individuals. Algorithms developed to predict the effect of missense changes on protein structure and function are either unavailable or do not agree on the potential impact of this missense change (SIFT: "Deleterious"; PolyPhen-2: "Probably Damaging"; Align-GVGD: "Class C0"). In summary, the available evidence is currently insufficient to determine the role of this variant in disease. Therefore, it has been classified as a Variant of Uncertain Significance.